The following is an entry in ClinVar:

NM_000179.3(MSH6):c.3739A>T (p.Thr1247Ser)

Gene: MSH6 (mutS homolog 6; plus strand). Cytogenetic location: 2p16.3.
Variant type: single nucleotide variant.
Coding change: c.3739A>T on transcript NM_000179.3 (MANE Select); coding-DNA position 3739, A replaced by T.
Protein change: p.Thr1247Ser; replaces threonine 1247 with serine.
Molecular consequence: missense variant. On other transcripts: non-coding transcript variant (5).
Genome position (GRCh38, 1-based): chr2:47,806,296, A>T. VCF-style: chr2-47806296-A-T. GRCh37 (hg19) VCF-style: chr2-48033435-A-T.
Other names: c.3349A>T, p.Thr1117Ser (NM_001281492.2); c.2833A>T, p.Thr945Ser (NM_001281493.2, NM_001281494.2, NM_001406811.1 and 6 more transcripts); c.3835A>T, p.Thr1279Ser (NM_001406795.1, NM_001406802.1); c.3739A>T, p.Thr1247Ser (NM_001406796.1, NM_001406800.1, NM_001406808.1 and 1 more transcripts); c.3442A>T, p.Thr1148Ser (NM_001406797.1, NM_001406801.1, NM_001406805.1 and 10 more transcripts); c.3565A>T, p.Thr1189Ser (NM_001406798.1); c.3214A>T, p.Thr1072Ser (NM_001406799.1, NM_001406806.1, NM_001406807.1); c.2875A>T, p.Thr959Ser (NM_001406803.1); and 7 more; short protein forms T1148S, T1247S, T1249S, T959S, T1072S, T1189S, T1117S, T1191S.
Identifiers: ClinVar variation 2773666 (VCV002773666.3), dbSNP rs769360577, ClinGen allele CA346761053.

ClinVar aggregate classification (germline): Uncertain significance. Review status: criteria provided, multiple submitters, no conflicts (2 of 4 stars). 2 submissions from 2 submitters: Uncertain significance (2). Last evaluated 2024-03-07.

Conditions:
Hereditary cancer-predisposing syndrome. Also called: Hereditary neoplastic syndrome; Hereditary Cancer Syndrome; Neoplastic Syndromes, Hereditary; Tumor predisposition. Identifiers: Orphanet 140162, MedGen C0027672, MeSH D009386, MONDO:0015356.

Submissions (2):

Color Diagnostics, LLC DBA Color Health
Classification: Uncertain significance for Hereditary cancer-predisposing syndrome. Last evaluated: 2024-03-07. Review status: criteria provided, single submitter. Criteria: ACMG Guidelines, 2015. Collection method: clinical testing. Allele origin: germline.
Comment: This missense variant replaces threonine with serine at codon 1247 of the MSH6 protein. Computational prediction suggests that this variant may have deleterious impact on protein structure and function (internally defined REVEL score threshold >= 0.7, PMID: 27666373). To our knowledge, functional studies have not been reported for this variant. This variant has not been reported in individuals affected with hereditary cancer in the literature. This variant has not been identified in the general population by the Genome Aggregation Database (gnomAD). The available evidence is insufficient to determine the role of this variant in disease conclusively. Therefore, this variant is classified as a Variant of Uncertain Significance.

Ambry Genetics
Classification: Uncertain significance for Hereditary cancer-predisposing syndrome. Last evaluated: 2024-02-12. Review status: criteria provided, single submitter. Criteria: Ambry Variant Classification Scheme 2023. Collection method: clinical testing. Allele origin: germline.
Comment: The p.T1247S variant (also known as c.3739A>T), located in coding exon 8 of the MSH6 gene, results from an A to T substitution at nucleotide position 3739. The threonine at codon 1247 is replaced by serine, an amino acid with similar properties. This amino acid position is highly conserved in available vertebrate species. In addition, this alteration is predicted to be deleterious by in silico analysis. Based on the available evidence, the clinical significance of this alteration remains unclear.